The following is an entry in ClinVar:

ClinVar aggregate classification (germline): Uncertain significance (1 of 4 stars; one submission).

Conditions:
Arginine:glycine amidinotransferase deficiency (CCDS3). Also called: AGAT deficiency; Cerebral creatine deficiency syndrome 3; L-Arginine:Glycine Amidinotransferase Deficiency; Creatine deficiency syndrome due to AGAT deficiency; GATM deficiency; L-Arginine:Glycine Amidinotransferase (AGAT) Deficiency. Identifiers: Orphanet 35704, MedGen C2675179, MONDO:0012996, OMIM 612718.

Allele frequency attached by ClinVar (database versions not stated): TOPMed 0.00002; gnomAD 0.00003.

Submission:

Labcorp Genetics (formerly Invitae), Labcorp
Classification: Uncertain significance for Arginine:glycine amidinotransferase deficiency. Last evaluated: 2025-08-20. Review status: criteria provided, single submitter. Criteria: Invitae Variant Classification Sherloc (09022015). Collection method: clinical testing. Allele origin: germline.
Comment: This sequence change replaces arginine, which is basic and polar, with tryptophan, which is neutral and slightly polar, at codon 47 of the GATM protein (p.Arg47Trp). This variant is present in population databases (rs749075034, gnomAD 0.006%). This variant has not been reported in the literature in individuals affected with GATM-related conditions. ClinVar contains an entry for this variant (Variation ID: 1058900). Invitae Evidence Modeling of protein sequence and biophysical properties (such as structural, functional, and spatial information, amino acid conservation, physicochemical variation, residue mobility, and thermodynamic stability) has been performed for this missense variant. However, the output from this modeling did not meet the statistical confidence thresholds required to predict the impact of this variant on GATM protein function. In summary, the available evidence is currently insufficient to determine the role of this variant in disease. Therefore, it has been classified as a Variant of Uncertain Significance.

NM_001482.3(GATM):c.139C>T (p.Arg47Trp)

Gene: GATM (glycine amidinotransferase; minus strand). Cytogenetic location: 15q21.1.
Variant type: single nucleotide variant.
Coding change: c.139C>T on transcript NM_001482.3 (MANE Select); coding-DNA position 139, C replaced by T.
Protein change: p.Arg47Trp; replaces arginine 47 with tryptophan.
Molecular consequence: missense variant. On other transcripts: 5 prime UTR variant (1).
Genome position (GRCh38, 1-based): chr15:45,376,750, G>A on the plus strand (C>T on the coding strand, the complement: GATM is on the minus strand). VCF-style: chr15-45376750-G-A. GRCh37 (hg19) VCF-style: chr15-45668948-G-A.
Other names: c.-249C>T (NM_001321015.2); short protein forms R47W.
Identifiers: ClinVar variation 1058900 (VCV001058900.6), dbSNP rs749075034, ClinGen allele CA7542990.